The following is an entry in ClinVar:

NM_015272.5(RPGRIP1L):c.17A>T (p.Asp6Val)

Gene: RPGRIP1L (RPGRIP1 like; minus strand). Cytogenetic location: 16q12.2.
Variant type: single nucleotide variant.
Coding change: c.17A>T on transcript NM_015272.5 (MANE Select); coding-DNA position 17, A replaced by T.
Protein change: p.Asp6Val; replaces aspartic acid 6 with valine.
Molecular consequence: missense variant.
Genome position (GRCh38, 1-based): chr16:53,700,707, T>A on the plus strand (A>T on the coding strand, the complement: RPGRIP1L is on the minus strand). VCF-style: chr16-53700707-T-A. GRCh37 (hg19) VCF-style: chr16-53734619-T-A.
Other names: c.17A>T, p.Asp6Val (NM_001127897.4, NM_001308334.3, NM_001328422.2 and 2 more transcripts); short protein forms D6V.
Identifiers: ClinVar variation 3031868 (VCV003031868.3), dbSNP rs370703272, ClinGen allele CA8058238.

ClinVar aggregate classification (germline): Uncertain significance (1 of 4 stars; one submission).

Conditions:
RPGRIP1L-related disorder. Also called: RPGRIP1L-related disorders; RPGRIP1L-related condition. Identifiers: MedGen CN239416.

Allele frequency attached by ClinVar (database versions not stated): gnomAD 0.00001; TOPMed 0.00002; ESP Exome Variant Server 0.00008; gnomAD exomes below 0.00001; ExAC 0.00001.
gnomAD v4.1: 7 of 1,613,134 alleles (0.00043%); highest among the groups gnomAD compares: Non-Finnish European, 0.00051%; no homozygotes.

Submission:

PreventionGenetics, part of Exact Sciences
Classification: Uncertain significance for RPGRIP1L-related condition. Last evaluated: 2025-03-14. Review status: criteria provided, single submitter. Criteria: ACMG Guidelines, 2015. Collection method: clinical testing. Allele origin: germline.
Comment: The RPGRIP1L c.17A>T variant is predicted to result in the amino acid substitution p.Asp6Val. To our knowledge, this variant has not been reported in the literature. This variant is reported in 0.0018% of alleles in individuals of European (Non-Finnish) descent in gnomAD. At this time, the clinical significance of this variant is uncertain due to the absence of conclusive functional and genetic evidence.